The following is an entry in ClinVar:

NM_001352027.3(PHF21A):c.1048A>G (p.Ile350Val)

Gene: PHF21A (PHD finger protein 21A; minus strand). Cytogenetic location: 11p11.2.
Variant type: single nucleotide variant.
Coding change: c.1048A>G on transcript NM_001352027.3 (MANE Select); coding-DNA position 1048, A replaced by G.
Protein change: p.Ile350Val; replaces isoleucine 350 with valine.
Molecular consequence: missense variant. On other transcripts: non-coding transcript variant (2).
Genome position (GRCh38, 1-based): chr11:45,953,574, T>C on the plus strand (A>G on the coding strand, the complement: PHF21A is on the minus strand). VCF-style: chr11-45953574-T-C. GRCh37 (hg19) VCF-style: chr11-45975125-T-C.
Other names: c.1048A>G, p.Ile350Val (NM_016621.5, NM_001352025.3, NM_001352026.3 and 2 more transcripts); c.1045A>G, p.Ile349Val (NM_001101802.3, NM_001352030.3, NM_001352031.3 and 1 more transcripts); c.1048A>G (NM_016621.3); short protein forms I350V, I349V.
Identifiers: ClinVar variation 3417653 (VCV003417653.2).

ClinVar aggregate classification (germline): Conflicting classifications of pathogenicity. Review status: criteria provided, conflicting classifications (1 of 4 stars). 2 submissions from 2 submitters: Uncertain significance (1); Likely benign (1). Last evaluated 2025-04-17.

Conditions:
Inborn genetic diseases. Identifiers: MedGen C0950123, MeSH D030342.

gnomAD v4.1: 2 of 1,614,028 alleles (0.00012%); highest among the groups gnomAD compares: Non-Finnish European, 0.00017%; no homozygotes.

Submissions (2):

GeneDx
Classification: Uncertain significance. Last evaluated: 2025-04-17. Review status: criteria provided, single submitter. Criteria: GeneDx Variant Classification Process June 2021. Collection method: clinical testing. Allele origin: germline. Affected: yes.
Comment: Not observed at significant frequency in large population cohorts (gnomAD); In silico analysis indicates that this missense variant does not alter protein structure/function; Has not been previously published as pathogenic or benign to our knowledge

Ambry Genetics
Classification: Likely benign for Inborn genetic diseases. Last evaluated: 2024-10-17. Review status: criteria provided, single submitter. Criteria: Ambry Variant Classification Scheme 2023. Collection method: clinical testing. Allele origin: germline.